The following is an entry in ClinVar:

ClinVar aggregate classification (germline): Pathogenic. Review status: criteria provided, multiple submitters, no conflicts (2 of 4 stars). 2 submissions from 2 submitters: Pathogenic (2). Last evaluated 2023-08-22.

Conditions:
Hereditary cancer-predisposing syndrome. Also called: Neoplastic Syndromes, Hereditary; Tumor predisposition; Hereditary Cancer Syndrome; Hereditary neoplastic syndrome. Identifiers: Orphanet 140162, MedGen C0027672, MeSH D009386, MONDO:0015356.
Lynch syndrome 5 (LYNCH5). Also called: Colorectal cancer, hereditary nonpolyposis, type 5; Hereditary non-polyposis colorectal cancer, type 5. Identifiers: Orphanet 144, MedGen C1833477, MONDO:0013710, OMIM 614350. Disease mechanism: loss of function.

Submissions (2):

Myriad Genetics, Inc.
Classification: Pathogenic for Lynch syndrome 5. Last evaluated: 2023-08-22. Review status: criteria provided, single submitter. Criteria: Myriad Autosomal Dominant, Autosomal Recessive and X-Linked Classification Criteria (2023). Collection method: clinical testing. Allele origin: unknown.
Comment: This variant is considered pathogenic. This variant creates a frameshift predicted to result in premature protein truncation.

Color Diagnostics, LLC DBA Color Health
Classification: Pathogenic for Hereditary cancer-predisposing syndrome. Last evaluated: 2020-01-15. Review status: criteria provided, single submitter. Criteria: ACMG Guidelines, 2015. Collection method: clinical testing. Allele origin: germline.
Comment: This variant deletes 1 nucleotide in exon 4 of the MSH6 gene, creating a frameshift and premature translation stop signal. This variant is expected to result in an absent or non-functional protein product. This variant has not been identified in the general population by the Genome Aggregation Database (gnomAD). Loss of MSH6 function is a known mechanism of disease. Based on the available evidence, this variant is classified as Pathogenic.

NM_000179.3(MSH6):c.3018del (p.Trp1007fs)

Gene: MSH6 (mutS homolog 6; plus strand). Cytogenetic location: 2p16.3.
Variant type: Deletion.
Coding change: c.3018del on transcript NM_000179.3 (MANE Select); coding-DNA position 3018, one base deleted (C; older notation c.3018delC).
Protein change: p.Trp1007fs; shifts the reading frame from tryptophan 1007.
Molecular consequence: frameshift variant.
Genome position (GRCh38, 1-based): chr2:47,801,001, C deleted. VCF-style (leftmost placement, unchanged base first): chr2-47801000-AC-A. GRCh37 (hg19) VCF-style: chr2-48028139-AC-A.
Other names: c.2628del, p.Trp877fs (NM_001281492.2); c.2112del, p.Trp705fs (NM_001281493.2, NM_001281494.2); short protein forms W1007fs, W705fs, W877fs.
Identifiers: ClinVar variation 919924 (VCV000919924.4), dbSNP rs1669539415, ClinGen allele CA913188138.